The following is an entry in ClinVar:

ClinVar aggregate classification (germline): Uncertain significance (1 of 4 stars; one submission).

Conditions:
Primary dilated cardiomyopathy (DCM). Also called: Dilated Cardiomyopathy. Identifiers: Orphanet 217604, MedGen C0007193, MeSH D002311, MONDO:0005021, HP:0001644. Inheritance: Various modes of inheritance.

Submission:

Labcorp Genetics (formerly Invitae), Labcorp
Classification: Uncertain significance for Primary dilated cardiomyopathy. Last evaluated: 2022-05-11. Review status: criteria provided, single submitter. Criteria: Invitae Variant Classification Sherloc (09022015). Collection method: clinical testing. Allele origin: germline.
Comment: In summary, the available evidence is currently insufficient to determine the role of this variant in disease. Therefore, it has been classified as a Variant of Uncertain Significance. Algorithms developed to predict the effect of missense changes on protein structure and function (SIFT, PolyPhen-2, Align-GVGD) all suggest that this variant is likely to be tolerated. This sequence change replaces glutamic acid, which is acidic and polar, with lysine, which is basic and polar, at codon 912 of the NEBL protein (p.Glu912Lys). This variant is not present in population databases (gnomAD no frequency). This variant has not been reported in the literature in individuals affected with NEBL-related conditions.

NM_006393.3(NEBL):c.2734G>A (p.Glu912Lys)

Gene: NEBL (nebulette; minus strand). Cytogenetic location: 10p12.31.
Variant type: single nucleotide variant.
Coding change: c.2734G>A on transcript NM_006393.3 (MANE Select); coding-DNA position 2734, G replaced by A.
Protein change: p.Glu912Lys; replaces glutamic acid 912 with lysine.
Molecular consequence: missense variant. On other transcripts: intron variant (9).
Genome position (GRCh38, 1-based): chr10:20,808,537, C>T on the plus strand (G>A on the coding strand, the complement: NEBL is on the minus strand). VCF-style: chr10-20808537-C-T. GRCh37 (hg19) VCF-style: chr10-21097466-C-T.
Other names: c.421+4232G>A (NM_001377326.1, NM_001377327.1, NM_001377328.1); c.529+4232G>A (NM_213569.2, NM_001173484.2); c.622+1269G>A (NM_001377322.1); c.472+4232G>A (NM_001377324.1); c.463+4232G>A (NM_001377325.1); c.481+4232G>A (NM_001377323.1); short protein forms E912K.
Identifiers: ClinVar variation 2133476 (VCV002133476.4), dbSNP rs2491560205, ClinGen allele CA376092689.